The following is an entry in ClinVar:

NM_052845.4(MMAB):c.158C>T (p.Pro53Leu)

Gene: MMAB (metabolism of cobalamin associated B; minus strand). Cytogenetic location: 12q24.11.
Variant type: single nucleotide variant.
Coding change: c.158C>T on transcript NM_052845.4 (MANE Select); coding-DNA position 158, C replaced by T.
Protein change: p.Pro53Leu; replaces proline 53 with leucine.
Molecular consequence: missense variant. On other transcripts: non-coding transcript variant (1).
Genome position (GRCh38, 1-based): chr12:109,571,687, G>A on the plus strand (C>T on the coding strand, the complement: MMAB is on the minus strand). VCF-style: chr12-109571687-G-A. GRCh37 (hg19) VCF-style: chr12-110009492-G-A.
Other names: short protein forms P53L.
Identifiers: ClinVar variation 883485 (VCV000883485.7), dbSNP rs764683053, ClinGen allele CA6779030.

ClinVar aggregate classification (germline): Uncertain significance. Review status: criteria provided, multiple submitters, no conflicts (2 of 4 stars). 3 submissions from 3 submitters: Uncertain significance (3). Last evaluated 2021-01-05.

Conditions:
Inborn genetic diseases. Identifiers: MedGen C0950123, MeSH D030342.
Methylmalonic aciduria, cblB type (MACB). Also called: Vitamin B12-responsive methylmalonic acidemia type cblB; Methylmalonic acidemia cblB type; METHYLMALONIC ACIDURIA, VITAMIN B12-RESPONSIVE, DUE TO DEFECT IN SYNTHESIS OF ADENOSYLCOBALAMIN, cblB TYPE. Identifiers: Orphanet 28, Orphanet 79311, MedGen C1855102, MONDO:0009614, OMIM 251110.

Allele frequency attached by ClinVar (database versions not stated): ExAC 0.00002; gnomAD exomes 0.00004 and 0.00005; gnomAD 0.00005 and 0.00006; TOPMed 0.00008.
gnomAD v4.1: 82 of 1,614,018 alleles (0.0051%); highest among the groups gnomAD compares: Middle Eastern, 0.033%; no homozygotes.

Submissions (3):

Ambry Genetics
Classification: Uncertain significance for Inborn genetic diseases. Last evaluated: 2021-01-05. Review status: criteria provided, single submitter. Criteria: Ambry Variant Classification Scheme 2023. Collection method: clinical testing. Allele origin: germline.
Comment: The c.158C>T (p.P53L) alteration is located in exon 2 (coding exon 2) of the MMAB gene. This alteration results from a C to T substitution at nucleotide position 158, causing the proline (P) at amino acid position 53 to be replaced by a leucine (L). The p.P53L alteration is predicted to be tolerated by in silico analysis. Based on insufficient or conflicting evidence, the clinical significance of this alteration remains unclear.

Illumina Laboratory Services, Illumina
Classification: Uncertain significance for Methylmalonic aciduria, cblB type. Last evaluated: 2018-01-12. Review status: criteria provided, single submitter. Criteria: ICSL Variant Classification Criteria 13 December 2019. Collection method: clinical testing. Allele origin: germline.

Breakthrough Genomics
Classification: Uncertain significance. Review status: criteria provided, single submitter. Criteria: ACMG Guidelines, 2015. Collection method: not provided. Allele origin: germline. Inheritance: Autosomal recessive inheritance. Affected: yes.